The following is an entry in ClinVar:

NM_001754.5(RUNX1):c.622C>T (p.Gln208Ter)

Gene: RUNX1 (RUNX family transcription factor 1; minus strand). Cytogenetic location: 21q22.12.
Variant type: single nucleotide variant.
Coding change: c.622C>T on transcript NM_001754.5 (MANE Select); coding-DNA position 622, C replaced by T.
Protein change: p.Gln208Ter; replaces glutamine 208 with a stop codon.
Molecular consequence: nonsense.
Genome position (GRCh38, 1-based): chr21:34,834,593, G>A on the plus strand (C>T on the coding strand, the complement: RUNX1 is on the minus strand). VCF-style: chr21-34834593-G-A. GRCh37 (hg19) VCF-style: chr21-36206890-G-A.
Other names: NM_001754.5(RUNX1):c.622C>T; p.Gln208Ter; c.541C>T, p.Gln181Ter (NM_001001890.3, NM_001122607.2); short protein forms Q208*, Q181*.
Identifiers: ClinVar variation 627101 (VCV000627101.4), dbSNP rs1601416036, ClinGen allele CA410207192.

ClinVar aggregate classification (germline): Pathogenic. Review status: reviewed by expert panel (3 of 4 stars). 2 submissions from 2 submitters: Pathogenic (1). 1 of the submissions does not count toward it. Last evaluated 2025-04-16.

Conditions:
Storage pool disease of platelets. Also called: Platelet storage pool deficiency; Platelet storage pool diseases; STORAGE POOL PLATELET DISEASE. Identifiers: Orphanet 734, MedGen C0032197, MONDO:0008495, OMIM 185050.
Hereditary thrombocytopenia and hematologic cancer predisposition syndrome. Identifiers: Orphanet 71290, MedGen CN281654, MONDO:0011071.

Submissions (2):

ClinGen Myeloid Malignancy Variant Curation Expert Panel
Classification: Pathogenic for Hereditary thrombocytopenia and hematologic cancer predisposition syndrome. Last evaluated: 2025-04-16. Review status: reviewed by expert panel. Criteria: ClinGen MyeloMalig ACMG Specifications v2. Collection method: curation. Allele origin: germline. Inheritance: Autosomal dominant inheritance.
Comment: The NM_001754.5:c.622C>T (p.Gln208Ter) variant in RUNX1 is a nonsense variant that is predicted to cause a premature stop codon in biologically-relevant exon 7/9 that leads to nonsense-mediated decay in a gene in which loss-of-function is an established mechanism (PVS1, PM5_supporting). This variant is absent from gnomAD v2 and v3 with at least 20 coverage (PM2_Supporting). Note that the variant (unclear origin) has also been reported in a patient with MDS (PMID: 33520721) and acquired in 2 patients with AML (PMID: 19808697 and 21339757). In summary, this variant is classified as pathogenic for hereditary thrombocytopenia and hematologic cancer predisposition syndrome based on the ACMG/AMP criteria, as specified by the ClinGen Myeloid Malignancy VCEP: PVS1, PM2_supporting, PM5_supporting

NIHR Bioresource Rare Diseases, University of Cambridge
Classification: Likely pathogenic for Storage pool disease of platelets. Last evaluated: 2019-02-01. Review status: criteria provided, single submitter. Criteria: ACMG Guidelines, 2015. Collection method: research. Allele origin: unknown. Affected: yes. Observed: 1 heterozygote. Study: ThromboGenomics. Not counted in ClinVar's aggregate classification.

Literature cited by the submitters: PubMed 31064749 (cited by NIHR Bioresource Rare Diseases, University of Cambridge).